The following is an entry in ClinVar:

ClinVar aggregate classification (germline): Uncertain significance (1 of 4 stars; one submission).

Submission:

GeneDx
Classification: Uncertain significance. Last evaluated: 2024-09-29. Review status: criteria provided, single submitter. Criteria: GeneDx Variant Classification Process June 2021. Collection method: clinical testing. Allele origin: germline. Affected: yes.
Comment: Has not been previously published as pathogenic or benign to our knowledge; Not observed at significant frequency in large population cohorts (gnomAD); In silico analysis supports that this missense variant has a deleterious effect on protein structure/function

NM_005334.3(HCFC1):c.3224G>A (p.Cys1075Tyr)

Gene: HCFC1 (host cell factor C1; minus strand). Cytogenetic location: Xq28.
Variant type: single nucleotide variant.
Coding change: c.3224G>A on transcript NM_005334.3 (MANE Select); coding-DNA position 3224, G replaced by A.
Protein change: p.Cys1075Tyr; replaces cysteine 1075 with tyrosine.
Molecular consequence: missense variant.
Genome position (GRCh38, 1-based): chrX:153,955,175, C>T on the plus strand (G>A on the coding strand, the complement: HCFC1 is on the minus strand). VCF-style: chrX-153955175-C-T. GRCh37 (hg19) VCF-style: chrX-153220626-C-T.
Other names: c.3224G>A, p.Cys1075Tyr (NM_001410705.1); short protein forms C1075Y.
Identifiers: ClinVar variation 3774665 (VCV003774665.1).